The following is an entry in ClinVar:

NM_145331.3(MAP3K7):c.928A>G (p.Ser310Gly)

Gene: MAP3K7 (mitogen-activated protein kinase kinase kinase 7; minus strand). Cytogenetic location: 6q15.
Variant type: single nucleotide variant.
Coding change: c.928A>G on transcript NM_145331.3 (MANE Select); coding-DNA position 928, A replaced by G.
Protein change: p.Ser310Gly; replaces serine 310 with glycine.
Molecular consequence: missense variant.
Genome position (GRCh38, 1-based): chr6:90,550,489, T>C on the plus strand (A>G on the coding strand, the complement: MAP3K7 is on the minus strand). VCF-style: chr6-90550489-T-C. GRCh37 (hg19) VCF-style: chr6-91260208-T-C.
Other names: c.928A>G, p.Ser310Gly (NM_003188.4, NM_145332.3, NM_145333.3); short protein forms S310G.
Identifiers: ClinVar variation 2637397 (VCV002637397.1), dbSNP rs1776145813, ClinGen allele CA365010535.

ClinVar aggregate classification (germline): Uncertain significance (1 of 4 stars; one submission).

Conditions:
MAP3K7-related disorder.

Allele frequency attached by ClinVar (database versions not stated): gnomAD exomes below 0.00001.

Submission:

PreventionGenetics, part of Exact Sciences
Classification: Uncertain significance for MAP3K7-related condition. Last evaluated: 2022-10-21. Review status: criteria provided, single submitter. Criteria: ACMG Guidelines, 2015. Collection method: clinical testing. Allele origin: germline.
Comment: The MAP3K7 c.928A>G variant is predicted to result in the amino acid substitution p.Ser310Gly. To our knowledge, this variant has not been reported in the literature or in a large population database, indicating this variant is rare. At this time, the clinical significance of this variant is uncertain due to the absence of conclusive functional and genetic evidence.